The following is an entry in ClinVar:

NM_147127.5(EVC2):c.1140A>G (p.Leu380=)

Gene: EVC2 (EvC ciliary complex subunit 2; minus strand). Cytogenetic location: 4p16.2.
Variant type: single nucleotide variant.
Coding change: c.1140A>G on transcript NM_147127.5 (MANE Select); coding-DNA position 1140, A replaced by G.
Protein change: p.Leu380=; no amino-acid change (leucine 380 retained).
Molecular consequence: synonymous variant.
Genome position (GRCh38, 1-based): chr4:5,663,112, T>C on the plus strand (A>G on the coding strand, the complement: EVC2 is on the minus strand). VCF-style: chr4-5663112-T-C. GRCh37 (hg19) VCF-style: chr4-5664839-T-C.
Other names: c.900A>G, p.Leu300= (NM_001166136.2).
Identifiers: ClinVar variation 3355705 (VCV003355705.3).

ClinVar aggregate classification (germline): Likely benign. Review status: criteria provided, single submitter (1 of 4 stars). 2 submissions from 2 submitters: Likely benign (1). 1 of the submissions does not count toward it. Last evaluated 2024-09-27.

Conditions:
Ellis-van Creveld syndrome (EVC). Also called: MESOECTODERMAL DYSPLASIA; EVC-Related Ellis-van Creveld Syndrome; EVC2-Related Ellis-van Creveld Syndrome; Chondroectodermal dysplasia. Identifiers: Orphanet 289, MedGen C0013903, MONDO:0009162, OMIM 225500.
Curry-Hall syndrome (WAD). Also called: WEYERS ACRODENTAL DYSOSTOSIS. Identifiers: Orphanet 952, MedGen C0457013, MONDO:0008673, OMIM 193530.
EVC2-related disorder. Also called: EVC2-related condition.

Submissions (2):

Labcorp Genetics (formerly Invitae), Labcorp
Classification: Likely benign for Curry-Hall syndrome; Ellis-van Creveld syndrome. Last evaluated: 2024-09-27. Review status: criteria provided, single submitter. Criteria: Invitae Variant Classification Sherloc (09022015). Collection method: clinical testing. Allele origin: germline.

PreventionGenetics, part of Exact Sciences
Classification: Likely benign for EVC2-related condition. Last evaluated: 2024-06-20. Review status: no assertion criteria provided. Collection method: clinical testing. Allele origin: germline. Not counted in ClinVar's aggregate classification.
Comment: This variant is classified as likely benign based on ACMG/AMP sequence variant interpretation guidelines (Richards et al. 2015 PMID: 25741868, with internal and published modifications).